The following is an entry in ClinVar:

ClinVar aggregate classification (germline): Uncertain significance (1 of 4 stars; one submission).

Submission:

GeneDx
Classification: Uncertain significance. Last evaluated: 2025-02-10. Review status: criteria provided, single submitter. Criteria: GeneDx Variant Classification Process June 2021. Collection method: clinical testing. Allele origin: germline.
Comment: Not observed at significant frequency in large population cohorts (gnomAD); In silico analysis indicates that this missense variant does not alter protein structure/function; Has not been previously published as pathogenic or benign to our knowledge

NM_017852.5(NLRP2):c.1969G>A (p.Val657Ile)

Gene: NLRP2 (NLR family pyrin domain containing 2; plus strand). Cytogenetic location: 19q13.42.
Variant type: single nucleotide variant.
Coding change: c.1969G>A on transcript NM_017852.5 (MANE Select); coding-DNA position 1969, G replaced by A.
Protein change: p.Val657Ile; replaces valine 657 with isoleucine.
Molecular consequence: missense variant. On other transcripts: non-coding transcript variant (1).
Genome position (GRCh38, 1-based): chr19:54,983,667, G>A. VCF-style: chr19-54983667-G-A. GRCh37 (hg19) VCF-style: chr19-55495035-G-A.
Other names: c.1969G>A, p.Val657Ile (NM_001174081.3); c.1903G>A, p.Val635Ile (NM_001174082.3); c.1900G>A, p.Val634Ile (NM_001174083.2); c.1960G>A, p.Val654Ile (NM_001348003.2); short protein forms V634I, V635I, V654I, V657I.
Identifiers: ClinVar variation 3362169 (VCV003362169.2).
Genomic context (GRCh38, chr19:54,983,667, plus strand): 5'-GTTGTGCCATCTTCATTCTGCGTCAAGCACTGTCGAAACCTGCAGAAAATGTCACTGCAG[G>A]TAATAAAGGAGAATCTCCCGGAGAATGTCACTGCGTCTGAATCAGACGCCGAGGTTGAGA-3'
Protein context (NP_060322.1, residues 647-667): CRNLQKMSLQ[Val657Ile]IKENLPENVT